The following is an entry in ClinVar:

NM_000038.6(APC):c.5779C>A (p.Leu1927Ile)

Gene: APC (APC regulator of Wnt signaling pathway; plus strand). Cytogenetic location: 5q22.2.
Variant type: single nucleotide variant.
Coding change: c.5779C>A on transcript NM_000038.6 (MANE Select); coding-DNA position 5779, C replaced by A.
Protein change: p.Leu1927Ile; replaces leucine 1927 with isoleucine.
Molecular consequence: missense variant.
Genome position (GRCh38, 1-based): chr5:112,841,373, C>A. VCF-style: chr5-112841373-C-A. GRCh37 (hg19) VCF-style: chr5-112177070-C-A.
Other names: p.L1927I:CTT>ATT; c.5779C>A, p.Leu1927Ile (NM_001127510.3, NM_001354895.2); c.5725C>A, p.Leu1909Ile (NM_001127511.3); c.5833C>A, p.Leu1945Ile (NM_001354896.2); c.5809C>A, p.Leu1937Ile (NM_001354897.2); c.5704C>A, p.Leu1902Ile (NM_001354898.2); c.5695C>A, p.Leu1899Ile (NM_001354899.2); c.5656C>A, p.Leu1886Ile (NM_001354900.2); and 6 more; short protein forms L1909I, L1927I, L1945I, L1644I, L1767I, L1801I, L1836I, L1899I.
Identifiers: ClinVar variation 181810 (VCV000181810.32), dbSNP rs730881253, ClinGen allele CA010680.

ClinVar aggregate classification (germline): Conflicting classifications of pathogenicity. Review status: criteria provided, conflicting classifications (1 of 4 stars). 9 submissions from 9 submitters: Uncertain significance (7); Likely benign (1). 1 of the submissions does not count toward it. Last evaluated 2025-09-09.

Conditions:
Hereditary cancer-predisposing syndrome. Also called: Tumor predisposition; Hereditary Cancer Syndrome; Hereditary neoplastic syndrome; Neoplastic Syndromes, Hereditary. Identifiers: Orphanet 140162, MedGen C0027672, MeSH D009386, MONDO:0015356.
Familial adenomatous polyposis 1 (FAP1). Also called: FAMILIAL ADENOMATOUS POLYPOSIS 1, ATTENUATED; POLYPOSIS, ADENOMATOUS INTESTINAL. Identifiers: MedGen C2713442, MONDO:0021056, OMIM 175100. Disease mechanism: loss of function.

Allele frequency attached by ClinVar (database versions not stated): gnomAD 0.00001; TOPMed 0.00001.
gnomAD v4.1: 2 of 1,613,492 alleles (0.00012%); highest among the groups gnomAD compares: Non-Finnish European, 0.00017%; no homozygotes.

Submissions (9):

Ambry Genetics
Classification: Likely benign for Hereditary cancer-predisposing syndrome. Last evaluated: 2025-09-09. Review status: criteria provided, single submitter. Criteria: Ambry Variant Classification Scheme 2023. Collection method: clinical testing. Allele origin: germline.

Labcorp Genetics (formerly Invitae), Labcorp
Classification: Uncertain significance for Familial adenomatous polyposis 1. Last evaluated: 2025-09-04. Review status: criteria provided, single submitter. Criteria: Invitae Variant Classification Sherloc (09022015). Collection method: clinical testing. Allele origin: germline.
Comment: This sequence change replaces leucine, which is neutral and non-polar, with isoleucine, which is neutral and non-polar, at codon 1927 of the APC protein (p.Leu1927Ile). This variant is not present in population databases (gnomAD no frequency). This variant has not been reported in the literature in individuals affected with APC-related conditions. ClinVar contains an entry for this variant (Variation ID: 181810). Invitae Evidence Modeling of protein sequence and biophysical properties (such as structural, functional, and spatial information, amino acid conservation, physicochemical variation, residue mobility, and thermodynamic stability) indicates that this missense variant is not expected to disrupt APC protein function with a negative predictive value of 95%. In summary, the available evidence is currently insufficient to determine the role of this variant in disease. Therefore, it has been classified as a Variant of Uncertain Significance.

Baylor Genetics
Classification: Uncertain significance for Familial adenomatous polyposis 1. Last evaluated: 2024-03-26. Review status: criteria provided, single submitter. Criteria: ACMG Guidelines, 2015. Collection method: clinical testing. Allele origin: unknown. Study: CSER-TexasKidsCanSeq.

Color Diagnostics, LLC DBA Color Health
Classification: Uncertain significance for Hereditary cancer-predisposing syndrome. Last evaluated: 2024-03-06. Review status: criteria provided, single submitter. Criteria: ACMG Guidelines, 2015. Collection method: clinical testing. Allele origin: germline.
Comment: This missense variant replaces leucine with isoleucine at codon 1927 of the APC protein. Computational prediction suggests that this variant may not impact protein structure and function (internally defined REVEL score threshold <= 0.5, PMID: 27666373). To our knowledge, functional studies have not been reported for this variant. This variant has not been reported in individuals affected with APC-related disorders in the literature. This variant has not been identified in the general population by the Genome Aggregation Database (gnomAD). The available evidence is insufficient to determine the role of this variant in disease conclusively. Therefore, this variant is classified as a Variant of Uncertain Significance.

Myriad Genetics, Inc.
Classification: Uncertain significance for Familial adenomatous polyposis 1. Last evaluated: 2023-02-17. Review status: criteria provided, single submitter. Criteria: Myriad Autosomal Dominant, Autosomal Recessive and X-Linked Classification Criteria (2023). Collection method: clinical testing. Allele origin: unknown.
Comment: This variant is classified as a variant of uncertain significance as there is insufficient evidence to determine its impact on protein function and/or cancer risk.

St. Jude Molecular Pathology, St. Jude Children's Research Hospital
Classification: Uncertain significance for Familial adenomatous polyposis 1. Last evaluated: 2022-11-22. Review status: criteria provided, single submitter. Criteria: St. Jude Assertion Criteria 2020. Collection method: clinical testing. Allele origin: germline.
Comment: The APC c.5779C>A (p.Leu1927Ile) missense change is absent in gnomAD v2.1.1. The in silico tool REVEL predicts a benign effect on protein function, but to our knowledge this prediction has not been confirmed by functional studies. To our knowledge, this variant has not been reported in individuals with APC-related familial adenomatous polyposis. In summary, the evidence currently available is insufficient to determine the clinical significance of this variant. It has therefore been classified as of uncertain significance.

GeneDx
Classification: Uncertain significance. Last evaluated: 2022-09-16. Review status: criteria provided, single submitter. Criteria: GeneDx Variant Classification Process June 2021. Collection method: clinical testing. Allele origin: germline. Affected: yes.
Comment: Not observed in large population cohorts (gnomAD); In silico analysis supports that this missense variant does not alter protein structure/function; Has not been previously published as pathogenic or benign to our knowledge; This variant is associated with the following publications: (PMID: 18199528])

Women's Health and Genetics/Laboratory Corporation of America, LabCorp
Classification: Uncertain significance. Last evaluated: 2016-05-27. Review status: criteria provided, single submitter. Criteria: LabCorp Variant Classification Summary - May 2015. Collection method: clinical testing. Allele origin: germline.
Comment: Variant summary: The APC c.5779C>A (p.Leu1927Ile) variant involves the alteration of a conserved nucleotide. 4/4 in silico tools predict a benign outcome for this variant (SNPs&GO not captured due to low reliability index). This variant is absent in 120712 control chromosomes. Multiple clinical diagnostic laboratories/reputable databases classified this variant as VUS. The variant of interest has not, to our knowledge, been reported in affected individuals via publications nor evaluated for functional impact by in vivo/vitro studies. Because of the absence of clinical information and the lack of functional studies, the variant was classified as a variant of uncertain significance (VUS) until additional information becomes available.

Counsyl
Classification: Uncertain significance for Familial adenomatous polyposis 1. Last evaluated: 2016-08-30. Review status: no assertion criteria provided. Collection method: clinical testing. Allele origin: unknown. Not counted in ClinVar's aggregate classification.